The following is an entry in ClinVar:

ClinVar aggregate classification (germline): Pathogenic. Review status: criteria provided, multiple submitters, no conflicts (2 of 4 stars). 5 submissions from 5 submitters: Pathogenic (3). 2 of the submissions do not count toward it. Last evaluated 2024-12-26.

Conditions:
Kennedy disease (SMAX1). Also called: KENNEDY SPINAL AND BULBAR MUSCULAR ATROPHY; SPINAL AND BULBAR MUSCULAR ATROPHY, X-LINKED 1; Spinal and Bulbar Muscular Atrophy. Identifiers: Orphanet 481, MedGen C1839259, MONDO:0010735, OMIM 313200.
Androgen resistance syndrome (AIS). Also called: Androgen insensitivity, complete; DIHYDROTESTOSTERONE RECEPTOR DEFICIENCY; Androgen insensitivity; Androgen insensitivity syndrome; ANDROGEN RECEPTOR DEFICIENCY; TESTICULAR FEMINIZATION SYNDROME. Identifiers: Orphanet 754, Orphanet 99429, MedGen C0039585, MONDO:0019154, OMIM 300068. Disease mechanism: loss of function.

Submissions (5):

Labcorp Genetics (formerly Invitae), Labcorp
Classification: Pathogenic for Kennedy disease; Androgen resistance syndrome. Last evaluated: 2024-12-26. Review status: criteria provided, single submitter. Criteria: Invitae Variant Classification Sherloc (09022015). Collection method: clinical testing. Allele origin: germline.
Comment: This sequence change affects codon 889 of the AR mRNA. It is a 'silent' change, meaning that it does not change the encoded amino acid sequence of the AR protein. RNA analysis indicates that this variant induces altered splicing and may result in an absent or altered protein product. This variant is not present in population databases (gnomAD no frequency). This variant has been observed in individuals with partial androgen insensitivity syndrome (PMID: 1158706, 11397856, 20150575). ClinVar contains an entry for this variant (Variation ID: 9850). Studies have shown that this variant results in activation of a cryptic splice site, and produces a non-functional protein and/or introduces a premature termination codon (PMID: 11397856). For these reasons, this variant has been classified as Pathogenic.

Illumina Laboratory Services, Illumina
Classification: Pathogenic. Last evaluated: 2022-11-22. Review status: criteria provided, single submitter. Criteria: ICSL CNVClassificationCriteria Aug2020. Collection method: clinical testing. Allele origin: unknown. Affected: yes.
Comment: The AR c.2667C>T (p.Ser889=) synonymous variant results in the substitution of cytosine at nucleotide position 2667 with thymine. Across a selection of the available literature, the c.2667C>T variant has been identified in a hemizygous state in at least four individuals with androgen insensitivity syndrome, characterized by atypical genitalia, hypospadias, low levels of luteinizing and follicle stimulating hormone, and cryptorchidism (PMID: 11397856, 28743543, 33505695, 35561789). The variant segregated in three affected males and unaffected carrier mothers in a multi-generational family (PMID: 35561789). This variant is not found in version 2.1.1 or version 3.1.2 of the Genome Aggregation Database. Functional studies demonstrated that the c.2667C>T variant produces an aberrant splicing variant that leads to partial skipping of exon 8 and a shortened 3'-untranslated region and the androgen-induced transcriptional activity is inhibited (PMID: 11397856). Based on the available evidence, the c.2667C>T (p.Ser889=) variant is classified as pathogenic for androgen insensitivity syndrome.

GeneDx
Classification: Pathogenic. Last evaluated: 2022-08-24. Review status: criteria provided, single submitter. Criteria: GeneDx Variant Classification Process June 2021. Collection method: clinical testing. Allele origin: germline. Affected: yes.
Comment: Published functional studies demonstrate activation of a cryptic splice donor site and subsequent alternative splicing (Hellwinkel et al., 2001); Not observed at significant frequency in large population cohorts (gnomAD); Also known as S888S; This variant is associated with the following publications: (PMID: 11587068, 11397856, 33505695, 20150575)

Clinical Molecular Genetics Laboratory, Johns Hopkins All Children's Hospital
Classification: Pathogenic for Androgen resistance syndrome. Last evaluated: 2001-11-27. Review status: no assertion criteria provided. Collection method: clinical testing. Allele origin: germline. Affected: yes. Not counted in ClinVar's aggregate classification.

OMIM
Classification: Pathogenic for ANDROGEN INSENSITIVITY SYNDROME. Last evaluated: 2001-06-01. Review status: no assertion criteria provided. Collection method: literature only. Allele origin: germline. Not counted in ClinVar's aggregate classification.

Literature cited by the submitters: PubMed 1158706 (cited by Labcorp Genetics (formerly Invitae), Labcorp); PubMed 11397856 (cited by 3 submitters); PubMed 20150575 (cited by Labcorp Genetics (formerly Invitae), Labcorp); PubMed 28743543 (cited by Illumina Laboratory Services, Illumina); PubMed 33505695 (cited by Illumina Laboratory Services, Illumina); PubMed 35561789 (cited by Illumina Laboratory Services, Illumina).

NM_000044.6(AR):c.2667C>T (p.Ser889=)

Gene: AR (androgen receptor; plus strand). Cytogenetic location: Xq12.
Variant type: single nucleotide variant.
Coding change: c.2667C>T on transcript NM_000044.6 (MANE Select); coding-DNA position 2667, C replaced by T.
Protein change: p.Ser889=; no amino-acid change (serine 889 retained).
Molecular consequence: synonymous variant.
Genome position (GRCh38, 1-based): chrX:67,723,745, C>T. VCF-style: chrX-67723745-C-T. GRCh37 (hg19) VCF-style: chrX-66943587-C-T.
Other names: S888S; c.1071C>T, p.Ser357= (NM_001011645.3).
Identifiers: ClinVar variation 9850 (VCV000009850.15), dbSNP rs137852594, ClinGen allele CA254897.